The following is an entry in ClinVar:

ClinVar aggregate classification (germline): Uncertain significance (1 of 4 stars; one submission).

Conditions:
Familial cold autoinflammatory syndrome 3 (FCAS3). Also called: ANTIBODY DEFICIENCY AND IMMUNE DYSREGULATION, PLCG2-ASSOCIATED; FAMILIAL ATYPICAL COLD URTICARIA. Identifiers: Orphanet 300359, MedGen C3280914, MONDO:0013766, OMIM 614468.

gnomAD v4.1: 2 of 1,604,932 alleles (0.00012%); highest among the groups gnomAD compares: Non-Finnish European, 0.000085%; no homozygotes.

Submission:

Labcorp Genetics (formerly Invitae), Labcorp
Classification: Uncertain significance for Familial cold autoinflammatory syndrome 3. Last evaluated: 2024-03-07. Review status: criteria provided, single submitter. Criteria: Invitae Variant Classification Sherloc (09022015). Collection method: clinical testing. Allele origin: germline.
Comment: This sequence change replaces arginine, which is basic and polar, with serine, which is neutral and polar, at codon 278 of the PLCG2 protein (p.Arg278Ser). This variant is not present in population databases (gnomAD no frequency). This variant has not been reported in the literature in individuals affected with PLCG2-related conditions. An algorithm developed to predict the effect of missense changes on protein structure and function (PolyPhen-2) suggests that this variant is likely to be disruptive. In summary, the available evidence is currently insufficient to determine the role of this variant in disease. Therefore, it has been classified as a Variant of Uncertain Significance.

NM_002661.5(PLCG2):c.832C>A (p.Arg278Ser)

Gene: PLCG2 (phospholipase C gamma 2; plus strand). Cytogenetic location: 16q23.3.
Variant type: single nucleotide variant.
Coding change: c.832C>A on transcript NM_002661.5 (MANE Select); coding-DNA position 832, C replaced by A.
Protein change: p.Arg278Ser; replaces arginine 278 with serine.
Molecular consequence: missense variant.
Genome position (GRCh38, 1-based): chr16:81,889,238, C>A. VCF-style: chr16-81889238-C-A. GRCh37 (hg19) VCF-style: chr16-81922843-C-A.
Other names: c.832C>A, p.Arg278Ser (NM_001425749.1, NM_001425750.1, NM_001425751.1); short protein forms R278S.
Identifiers: ClinVar variation 3626417 (VCV003626417.2).